The following is an entry in ClinVar:

ClinVar aggregate classification (germline): Uncertain significance. Review status: criteria provided, multiple submitters, no conflicts (2 of 4 stars). 2 submissions from 2 submitters: Uncertain significance (2). Last evaluated 2025-05-03.

Conditions:
Inborn genetic diseases. Identifiers: MedGen C0950123, MeSH D030342.

gnomAD v4.1: 1 of 1,613,818 alleles (0.000062%); no homozygotes.

Submissions (2):

Ambry Genetics
Classification: Uncertain significance for Inborn genetic diseases. Last evaluated: 2025-05-03. Review status: criteria provided, single submitter. Criteria: Ambry Variant Classification Scheme 2023. Collection method: clinical testing. Allele origin: germline.

Dasa
Classification: Uncertain significance. Last evaluated: 2024-10-31. Review status: criteria provided, single submitter. Criteria: DASA Assertion Criteria. Collection method: clinical testing. Allele origin: germline.
Comment: NM_001040142.2(SCN2A):c.1189G>T (p.Ala397Ser) is a missense variant that results in the substitution of alanine with serine. This variant is rare in population databases. The currently available literature and clinical evidence are not sufficient to establish a definitive association between this variant and the reported condition. Therefore, this variant is classified as a variant of uncertain significance.

NM_001040142.2(SCN2A):c.1189G>T (p.Ala397Ser)

Gene: SCN2A (sodium voltage-gated channel alpha subunit 2; plus strand). Cytogenetic location: 2q24.3.
Variant type: single nucleotide variant.
Coding change: c.1189G>T on transcript NM_001040142.2 (MANE Select); coding-DNA position 1189, G replaced by T.
Protein change: p.Ala397Ser; replaces alanine 397 with serine.
Molecular consequence: missense variant.
Genome position (GRCh38, 1-based): chr2:165,313,914, G>T. VCF-style: chr2-165313914-G-T. GRCh37 (hg19) VCF-style: chr2-166170424-G-T.
Other names: c.1189G>T, p.Ala397Ser (NM_001040143.2, NM_001371246.1, NM_001371247.1 and 1 more transcripts); short protein forms A397S.
Identifiers: ClinVar variation 3950930 (VCV003950930.3).
Genomic context (GRCh38, chr2:165,313,914, plus strand): 5'-TGTAACATCCTATATAAAATTTATTAAAATCTCTCTTCCATTTTGCAGACACTACGTGCT[G>T]CTGGGAAAACGTACATGATATTTTTTGTGCTGGTCATTTTCTTGGGCTCATTCTATCTAA-3'
Protein context (NP_001035232.1, residues 387-407): ENLYQLTLRA[Ala397Ser]GKTYMIFFVL